The following is an entry in ClinVar:

ClinVar aggregate classification (germline): Uncertain significance (1 of 4 stars; one submission).

gnomAD v4.1: 3 of 1,614,122 alleles (0.00019%); highest among the groups gnomAD compares: South Asian, 0.0033%; no homozygotes.

Submission:

Labcorp Genetics (formerly Invitae), Labcorp
Classification: Uncertain significance. Last evaluated: 2022-10-22. Review status: criteria provided, single submitter. Criteria: Invitae Variant Classification Sherloc (09022015). Collection method: clinical testing. Allele origin: germline.
Comment: This sequence change replaces glycine, which is neutral and non-polar, with glutamic acid, which is acidic and polar, at codon 1807 of the ARID1B protein (p.Gly1807Glu). This variant is present in population databases (no rsID available, gnomAD 0.003%). This variant has not been reported in the literature in individuals affected with ARID1B-related conditions. Advanced modeling of protein sequence and biophysical properties (such as structural, functional, and spatial information, amino acid conservation, physicochemical variation, residue mobility, and thermodynamic stability) has been performed at Invitae for this missense variant, however the output from this modeling did not meet the statistical confidence thresholds required to predict the impact of this variant on ARID1B protein function. In summary, the available evidence is currently insufficient to determine the role of this variant in disease. Therefore, it has been classified as a Variant of Uncertain Significance.

NM_001374828.1(ARID1B):c.5789G>A (p.Gly1930Glu)

Gene: ARID1B (AT-rich interaction domain 1B; plus strand). Cytogenetic location: 6q25.3.
Variant type: single nucleotide variant.
Coding change: c.5789G>A on transcript NM_001374828.1 (MANE Select); coding-DNA position 5789, G replaced by A.
Protein change: p.Gly1930Glu; replaces glycine 1930 with glutamic acid.
Molecular consequence: missense variant.
Genome position (GRCh38, 1-based): chr6:157,206,561, G>A. VCF-style: chr6-157206561-G-A. GRCh37 (hg19) VCF-style: chr6-157527695-G-A.
Other names: c.5540G>A, p.Gly1847Glu (NM_001346813.1); c.3290G>A, p.Gly1097Glu (NM_001363725.2); c.5669G>A, p.Gly1890Glu (NM_001371656.1, NM_001374820.1); c.5630G>A, p.Gly1877Glu (NM_017519.3); c.5420G>A, p.Gly1807Glu (NM_020732.3); c.5207G>A, p.Gly1736Glu (NM_175863.2); short protein forms G1097E, G1736E, G1807E, G1847E, G1877E, G1890E, G1930E.
Identifiers: ClinVar variation 1722058 (VCV001722058.5), dbSNP rs1201052597, ClinGen allele CA366246859.
Genomic context (GRCh38, chr6:157,206,561, plus strand): 5'-TGCCAATAAAGATAGTCAAAAAGAACAACCTGTTTGTTGTTGACCGATCTGACAAGTTGG[G>A]GCGTGTGCAGGAGTTCAATAGTGGCCTTCTGCACTGGCAGCTCGGCGGGGGTGACACCAC-3'
Protein context (NP_001361757.1, residues 1920-1940): LFVVDRSDKL[Gly1930Glu]RVQEFNSGLL